The following is an entry in ClinVar:

ClinVar aggregate classification (germline): Conflicting classifications of pathogenicity. Review status: criteria provided, conflicting classifications (1 of 4 stars). 3 submissions from 3 submitters: Uncertain significance (2); Likely benign (1). Last evaluated 2025-06-03.

Conditions:
Inborn genetic diseases. Identifiers: MedGen C0950123, MeSH D030342.

Allele frequency attached by ClinVar (database versions not stated): ESP Exome Variant Server 0.00008.
gnomAD v4.1: 7 of 1,607,108 alleles (0.00044%); highest among the groups gnomAD compares: East Asian, 0.0022%; no homozygotes.

Submissions (3):

Ambry Genetics
Classification: Likely benign for Inborn genetic diseases. Last evaluated: 2025-06-03. Review status: criteria provided, single submitter. Criteria: Ambry Variant Classification Scheme 2023. Collection method: clinical testing. Allele origin: germline.

Mayo Clinic Laboratories, Mayo Clinic
Classification: Uncertain significance. Last evaluated: 2023-08-14. Review status: criteria provided, single submitter. Criteria: ACMG Guidelines, 2015. Collection method: clinical testing. Allele origin: germline. Observed: 2 variant alleles.
Comment: BP4, PM2

GeneDx
Classification: Uncertain significance. Last evaluated: 2023-06-13. Review status: criteria provided, single submitter. Criteria: GeneDx Variant Classification Process June 2021. Collection method: clinical testing. Allele origin: germline. Affected: yes.
Comment: Not observed at significant frequency in large population cohorts (gnomAD); In silico analysis supports that this missense variant does not alter protein structure/function; Has not been previously published as pathogenic or benign to our knowledge

NM_001009944.3(PKD1):c.10285A>G (p.Ile3429Val)

Gene: PKD1 (polycystin 1, transient receptor potential channel interacting; minus strand). Cytogenetic location: 16p13.3.
Variant type: single nucleotide variant.
Coding change: c.10285A>G on transcript NM_001009944.3 (MANE Select); coding-DNA position 10285, A replaced by G.
Protein change: p.Ile3429Val; replaces isoleucine 3429 with valine.
Molecular consequence: missense variant.
Genome position (GRCh38, 1-based): chr16:2,097,439, T>C on the plus strand (A>G on the coding strand, the complement: PKD1 is on the minus strand). VCF-style: chr16-2097439-T-C. GRCh37 (hg19) VCF-style: chr16-2147440-T-C.
Other names: p.Ile3429Val; c.10282A>G, p.Ile3428Val (NM_000296.4); c.10282A>G (NM_000296.3); short protein forms I3428V, I3429V.
Identifiers: ClinVar variation 2429588 (VCV002429588.4), dbSNP rs371881043, ClinGen allele CA276771588.